The following is an entry in ClinVar:

NM_001145809.2(MYH14):c.731G>A (p.Arg244Gln)

Gene: MYH14 (myosin heavy chain 14; plus strand). Cytogenetic location: 19q13.33.
Variant type: single nucleotide variant.
Coding change: c.731G>A on transcript NM_001145809.2 (MANE Select); coding-DNA position 731, G replaced by A.
Protein change: p.Arg244Gln; replaces arginine 244 with glutamine.
Molecular consequence: missense variant.
Genome position (GRCh38, 1-based): chr19:50,225,598, G>A. VCF-style: chr19-50225598-G-A. GRCh37 (hg19) VCF-style: chr19-50728855-G-A.
Other names: c.731G>A (NM_001145809.1); c.731G>A, p.Arg244Gln (NM_001077186.2); c.707G>A, p.Arg236Gln (NM_024729.4); c.707G>A (NM_024729.3); short protein forms R236Q, R244Q.
Identifiers: ClinVar variation 286751 (VCV000286751.8), dbSNP rs767108206, ClinGen allele CA9592387.
Genomic context (GRCh38, chr19:50,225,598, plus strand): 5'-CTGCCCCATTCTCACTGACCTCATGCATCATCTCCTGTGCCCGGCAGGGTGAGCTGGAGC[G>A]GCAGCTGCTTCAGGCCAACCCCATCCTAGAGGCCTTTGGCAATGCCAAGACAGTGAAGAA-3'
Protein context (NP_001139281.1, residues 234-254): VSTVSYGELE[Arg244Gln]QLLQANPILE

ClinVar aggregate classification (germline): Uncertain significance. Review status: criteria provided, multiple submitters, no conflicts (2 of 4 stars). 4 submissions from 4 submitters: Uncertain significance (4). Last evaluated 2025-10-10.

Conditions:
MYH14-related disorder. Also called: MYH14-related condition.

Allele frequency attached by ClinVar (database versions not stated): ExAC 0.00002; gnomAD exomes 0.00002.
gnomAD v4.1: 30 of 1,612,694 alleles (0.0019%); highest among the groups gnomAD compares: African/African-American, 0.0053%; no homozygotes.

Submissions (4):

PreventionGenetics, part of Exact Sciences
Classification: Uncertain significance for MYH14-related condition. Last evaluated: 2025-10-10. Review status: criteria provided, single submitter. Criteria: ACMG Guidelines, 2015. Collection method: clinical testing. Allele origin: germline.
Comment: The MYH14 c.731G>A variant is predicted to result in the amino acid substitution p.Arg244Gln. To our knowledge, this variant has not been reported in the literature. This variant is reported in 0.0066% of alleles in individuals of South Asian descent in gnomAD. At this time, the clinical significance of this variant is uncertain due to the absence of conclusive functional and genetic evidence.

GeneDx
Classification: Uncertain significance. Last evaluated: 2024-01-05. Review status: criteria provided, single submitter. Criteria: GeneDx Variant Classification Process June 2021. Collection method: clinical testing. Allele origin: germline. Affected: yes.
Comment: In silico analysis supports that this missense variant does not alter protein structure/function; Has not been previously published as pathogenic or benign to our knowledge

Clinical Genetics Laboratory, Skane University Hospital Lund
Classification: Uncertain significance. Last evaluated: 2023-09-26. Review status: criteria provided, single submitter. Criteria: ACMG Guidelines, 2015. Collection method: clinical testing. Allele origin: germline. Affected: yes.

Eurofins Ntd Llc (ga)
Classification: Uncertain significance. Last evaluated: 2016-03-15. Review status: criteria provided, single submitter. Criteria: EGL Classification Definitions 2015. Collection method: clinical testing. Allele origin: germline. Observed: 1 variant allele, 1 heterozygote.